The following is an entry in ClinVar:

NM_000388.4(CASR):c.2104G>C (p.Val702Leu)

Gene: CASR (calcium sensing receptor; plus strand). Cytogenetic location: 3q21.1.
Variant type: single nucleotide variant.
Coding change: c.2104G>C on transcript NM_000388.4 (MANE Select); coding-DNA position 2104, G replaced by C.
Protein change: p.Val702Leu; replaces valine 702 with leucine.
Molecular consequence: missense variant.
Genome position (GRCh38, 1-based): chr3:122,284,058, G>C. VCF-style: chr3-122284058-G-C. GRCh37 (hg19) VCF-style: chr3-122002905-G-C.
Other names: c.2134G>C, p.Val712Leu (NM_001178065.2); short protein forms V702L, V712L.
Identifiers: ClinVar variation 3231527 (VCV003231527.1), dbSNP rs201828974, ClinGen allele CA354158561.

ClinVar aggregate classification (germline): Uncertain significance (1 of 4 stars; one submission).

Conditions:
Nephrolithiasis/nephrocalcinosis. Identifiers: MedGen CN580796.

Submission:

Ambry Genetics
Classification: Uncertain significance for Nephrolithiasis/nephrocalcinosis. Last evaluated: 2023-05-14. Review status: criteria provided, single submitter. Criteria: Ambry Variant Classification Scheme 2023. Collection method: clinical testing. Allele origin: germline.
Comment: The p.V702L variant (also known as c.2104G>C), located in coding exon 6 of the CASR gene, results from a G to C substitution at nucleotide position 2104. The valine at codon 702 is replaced by leucine, an amino acid with highly similar properties. This amino acid position is conserved. In addition, the in silico prediction for this alteration is inconclusive. Since supporting evidence is limited at this time, the clinical significance of this alteration remains unclear.